The following is an entry in ClinVar:

NM_000501.4(ELN):c.1027G>A (p.Gly343Ser)

Gene: ELN (elastin; plus strand). Cytogenetic location: 7q11.23.
Variant type: single nucleotide variant.
Coding change: c.1027G>A on transcript NM_000501.4 (MANE Select); coding-DNA position 1027, G replaced by A.
Protein change: p.Gly343Ser; replaces glycine 343 with serine.
Molecular consequence: missense variant.
Genome position (GRCh38, 1-based): chr7:74,053,240, G>A. VCF-style: chr7-74053240-G-A. GRCh37 (hg19) VCF-style: chr7-73467570-G-A.
Other names: c.997G>A, p.Gly333Ser (NM_001081752.3, NM_001278917.2); c.1042G>A, p.Gly348Ser (NM_001081753.3, NM_001081754.3); c.1027G>A, p.Gly343Ser (NM_001081755.3, NM_001278912.2, NM_001278915.2 and 1 more transcripts); c.919G>A, p.Gly307Ser (NM_001278913.2); c.1012G>A, p.Gly338Ser (NM_001278914.2); c.985G>A, p.Gly329Ser (NM_001278916.2); c.895G>A, p.Gly299Ser (NM_001278918.2); short protein forms G299S, G348S, G333S, G329S, G307S, G338S, G343S.
Identifiers: ClinVar variation 1379688 (VCV001379688.6), dbSNP rs781939749, ClinGen allele CA367871888.

ClinVar aggregate classification (germline): Uncertain significance (1 of 4 stars; one submission).

Conditions:
Supravalvar aortic stenosis (SVAS). Also called: Supravalvar aortic stenosis, Eisenberg type. Identifiers: Orphanet 3193, MedGen C0003499, MONDO:0008504, OMIM 185500, HP:0004381.

Submission:

Labcorp Genetics (formerly Invitae), Labcorp
Classification: Uncertain significance for Supravalvar aortic stenosis. Last evaluated: 2021-09-04. Review status: criteria provided, single submitter. Criteria: Invitae Variant Classification Sherloc (09022015). Collection method: clinical testing. Allele origin: germline.
Comment: This variant is not present in population databases (ExAC no frequency). This sequence change replaces glycine with serine at codon 343 of the ELN protein (p.Gly343Ser). The glycine residue is moderately conserved and there is a small physicochemical difference between glycine and serine. This variant has not been reported in the literature in individuals affected with ELN-related conditions. Algorithms developed to predict the effect of missense changes on protein structure and function are either unavailable or do not agree on the potential impact of this missense change (SIFT: "Deleterious"; PolyPhen-2: "Not Available"; Align-GVGD: "Class C0"). In summary, the available evidence is currently insufficient to determine the role of this variant in disease. Therefore, it has been classified as a Variant of Uncertain Significance.